The following is an entry in ClinVar:

NM_018006.5(TRMU):c.522CTT[1] (p.Phe176del)

Gene: TRMU (tRNA mitochondrial 2-thiouridylase; plus strand). Cytogenetic location: 22q13.31.
Variant type: Microsatellite.
Coding change: c.522CTT[1] on transcript NM_018006.5 (MANE Select); one copy of the 3-base unit CTT starting at c.522; the reference has two copies in a row; one copy, 3 bases deleted; also written c.525_527del.
Protein change: p.Phe176del; deletes phenylalanine 176.
Molecular consequence: inframe deletion. On other transcripts: intron variant (2).
Genome position (GRCh38, 1-based): chr22:46,350,337-46,350,339, CTT deleted; deleting any 3 consecutive bases within chr22:46,350,334-46,350,339 gives the same sequence; the position shown is the placement nearest the transcript's 3' end. VCF-style (leftmost placement, unchanged base first): chr22-46350333-CCTT-C. GRCh37 (hg19) VCF-style: chr22-46746230-CCTT-C.
Other names: c.180CTT[1], p.Phe62del (NM_001282782.2); c.522CTT[1], p.Phe176del (NM_001282785.2); c.118-13_118-11del (NM_001282783.2, NM_001282784.2); c.525_527del (NM_018006.5); short protein forms F176del, F62del.
Identifiers: ClinVar variation 423159 (VCV000423159.4), dbSNP rs762710723, ClinGen allele CA10292084.
Genomic context (GRCh38, chr22:46,350,333, plus strand): 5'-GTTCTTTATTCTTGGCAGCGGTAAAACTCCTCCAGGCAGCTGACAGCTTTAAAGACCAGA[CCTT>C]CTTTCTCAGCCAGGTTTCCCAGGATGCCCTGAGGAGAACCATCTTCCCTCTGGGGGGATT-3'

ClinVar aggregate classification (germline): Conflicting classifications of pathogenicity. Review status: criteria provided, conflicting classifications (1 of 4 stars). 3 submissions from 3 submitters: Likely pathogenic (2); Uncertain significance (1). Last evaluated 2023-09-24.

Conditions:
Aminoglycoside-induced deafness. Also called: STREPTOMYCIN OTOTOXICITY; DEAFNESS, STREPTOMYCIN-INDUCED; MT-RNR1-Related Hearing Loss and Deafness. Identifiers: Orphanet 168609, MedGen C1838854, MONDO:0010799, OMIM 580000.

Submissions (3):

Baylor Genetics
Classification: Likely pathogenic for Aminoglycoside-induced deafness. Last evaluated: 2023-09-24. Review status: criteria provided, single submitter. Criteria: ACMG Guidelines, 2015. Collection method: clinical testing. Allele origin: unknown.

Women's Health and Genetics/Laboratory Corporation of America, LabCorp
Classification: Uncertain significance. Last evaluated: 2023-05-09. Review status: criteria provided, single submitter. Criteria: LabCorp Variant Classification Summary - May 2015. Collection method: clinical testing. Allele origin: germline.
Comment: Variant summary: TRMU c.525_527delCTT (p.Phe176del) results in an in-frame deletion that is predicted to remove one amino acid from the encoded protein. The variant allele was found at a frequency of 1.2e-05 in 251466 control chromosomes (gnomAD). The available data on variant occurrences in the general population are insufficient to allow any conclusion about variant significance. c.525_527delCTT has been reported in the literature in at least one compound heterozygous individual affected with Liver Failure, Acute Infantile (e.g., Murali_2021, Martin-Saavedra_2022, Vogel_2022). These data do not allow clear conclusions about variant significance. To our knowledge, no experimental evidence demonstrating an impact on protein function has been reported. The following publications have been ascertained in the context of this evaluation (PMID: 33485800, 34052969, 36305855). One clinical diagnostic laboratory has submitted clinical-significance assessments for this variant to ClinVar after 2014, and classified the variant as likely pathogenic. Based on the evidence outlined above, the variant was classified as uncertain significance.

GeneDx
Classification: Likely pathogenic. Last evaluated: 2017-01-23. Review status: criteria provided, single submitter. Criteria: GeneDx Variant Classification (06012015). Collection method: clinical testing. Allele origin: germline. Affected: yes.
Comment: The c.525_527delCTT variant in the TRMU gene has not been reported previously as a pathogenic variant nor as a benign variant, to our knowledge. The c.525_527delCTT variant causes an in-frame deletion of one amino acid, denoted p.Phe176del. This deletion occurs at a position that is conserved across species. The c.525_527delCTT variant was not observed in approximately 6,500 individuals of European and African American ancestry in the NHLBI Exome Sequencing Project, indicating it is not a common benign variant in these populations. We interpret c.525_527delCTT as a likely pathogenic variant.

Literature cited by the submitters: PubMed 34052969 (cited by Women's Health and Genetics/Laboratory Corporation of America, LabCorp); PubMed 33485800 (cited by Women's Health and Genetics/Laboratory Corporation of America, LabCorp); PubMed 36305855 (cited by Women's Health and Genetics/Laboratory Corporation of America, LabCorp).